The following is an entry in ClinVar:

NM_024312.5(GNPTAB):c.2745_2750del (p.Tyr916_Phe917del)

Gene: GNPTAB (N-acetylglucosamine-1-phosphate transferase subunits alpha and beta; minus strand). Cytogenetic location: 12q23.2.
Variant type: Deletion.
Coding change: c.2745_2750del on transcript NM_024312.5 (MANE Select); coding-DNA positions 2745 to 2750, 6 bases deleted (ATACTT; older notation c.2745_2750delATACTT).
Protein change: p.Tyr916_Phe917del.
Molecular consequence: inframe deletion.
Genome position (GRCh38, 1-based): chr12:101,761,729-101,761,734, AAGTAT deleted on the plus strand (ATACTT on the coding strand, the reverse complement: GNPTAB is on the minus strand). VCF-style (leftmost placement, unchanged base first): chr12-101761728-GAAGTAT-G. GRCh37 (hg19) VCF-style: chr12-102155506-GAAGTAT-G.
Identifiers: ClinVar variation 555725 (VCV000555725.9), dbSNP rs1277911354, ClinGen allele CA607597811.

ClinVar aggregate classification (germline): Uncertain significance. Review status: criteria provided, single submitter (1 of 4 stars). 2 submissions from 2 submitters: Uncertain significance (1). 1 of the submissions does not count toward it. Last evaluated 2025-06-25.

Conditions:
Mucolipidosis type II. Also called: Mucolipidosis II Alpha/Beta; Mucolipidosis 2; ML 2; Inclusion cell disease; Leroy Disease; N-acetylglucosamine 1phosphotransferase deficiency. Identifiers: Orphanet 576, MedGen C2673377, MONDO:0009650, OMIM 252500.
Pseudo-Hurler polydystrophy. Also called: MUCOLIPIDOSIS IIIA; ML IIIA; Mucolipidosis III Alpha/Beta; Type III Mucolipidosis; ML III; ML III ALPHA/BETA. Identifiers: Orphanet 423461, Orphanet 577, MedGen C0033788, MONDO:0018931, OMIM 252600.

Allele frequency attached by ClinVar (database versions not stated): gnomAD exomes below 0.00001.

Submissions (2):

Labcorp Genetics (formerly Invitae), Labcorp
Classification: Uncertain significance for Pseudo-Hurler polydystrophy; Mucolipidosis type II. Last evaluated: 2025-06-25. Review status: criteria provided, single submitter. Criteria: Invitae Variant Classification Sherloc (09022015). Collection method: clinical testing. Allele origin: germline.
Comment: This variant, c.2745_2750del, results in the deletion of 2 amino acid(s) of the GNPTAB protein (p.Tyr916_Phe917del), but otherwise preserves the integrity of the reading frame. This variant is present in population databases (no rsID available, gnomAD 0.0009%). This variant has not been reported in the literature in individuals affected with GNPTAB-related conditions. ClinVar contains an entry for this variant (Variation ID: 555725). Experimental studies and prediction algorithms are not available or were not evaluated, and the functional significance of this variant is currently unknown. In summary, the available evidence is currently insufficient to determine the role of this variant in disease. Therefore, it has been classified as a Variant of Uncertain Significance.

Counsyl
Classification: Uncertain significance for Mucolipidosis type II; Pseudo-Hurler polydystrophy. Last evaluated: 2017-12-19. Review status: no assertion criteria provided. Collection method: clinical testing. Allele origin: unknown. Not counted in ClinVar's aggregate classification.